The following is an entry in ClinVar:

ClinVar aggregate classification (germline): Likely pathogenic. Review status: criteria provided, multiple submitters, no conflicts (2 of 4 stars). 2 submissions from 2 submitters: Likely pathogenic (2). Last evaluated 2026-03-31.

Conditions:
Motor delay. Also called: Motor Developmental Delay; Motor retardation. Identifiers: MedGen C1854301, HP:0001270.
Feeding difficulties in infancy. Identifiers: MedGen C2674608, HP:0008872.
Hypotonia. Also called: poor muscle tone; Muscular hypotonia. Identifiers: MedGen C0026827, HP:0001252.

Submissions (2):

GeneDx
Classification: Likely pathogenic. Last evaluated: 2026-03-31. Review status: criteria provided, single submitter. Criteria: GeneDx Variant Classification Process June 2021. Collection method: clinical testing. Allele origin: germline.
Comment: Not observed at significant frequency in large population cohorts (gnomAD); In silico analysis supports that this missense variant has a deleterious effect on protein structure/function; Has not been previously published as pathogenic or benign to our knowledge

Clinical Genetics Laboratory, Skane University Hospital Lund
Classification: Likely pathogenic for Hypotonia; Feeding difficulties in infancy; Motor delay. Last evaluated: 2025-12-05. Review status: criteria provided, single submitter. Criteria: ACMG Guidelines, 2015. Collection method: clinical testing. Allele origin: germline. Affected: yes.
Comment: ACMG criteria used: PS2, PM2, PP3

NM_004521.3(KIF5B):c.833G>A (p.Arg278Gln)

Gene: KIF5B (kinesin family member 5B; minus strand). Cytogenetic location: 10p11.22.
Variant type: single nucleotide variant.
Coding change: c.833G>A on transcript NM_004521.3 (MANE Select); coding-DNA position 833, G replaced by A.
Protein change: p.Arg278Gln; replaces arginine 278 with glutamine.
Molecular consequence: missense variant.
Genome position (GRCh38, 1-based): chr10:32,035,651, C>T on the plus strand (G>A on the coding strand, the complement: KIF5B is on the minus strand). VCF-style: chr10-32035651-C-T. GRCh37 (hg19) VCF-style: chr10-32324579-C-T.
Other names: short protein forms R278Q.
Identifiers: ClinVar variation 3370124 (VCV003370124.4).